The following is an entry in ClinVar:

ClinVar aggregate classification (germline): Uncertain significance (1 of 4 stars; one submission).

Submission:

GeneDx
Classification: Uncertain significance. Last evaluated: 2025-01-23. Review status: criteria provided, single submitter. Criteria: GeneDx Variant Classification Process June 2021. Collection method: clinical testing. Allele origin: germline. Affected: yes.
Comment: Not observed at significant frequency in large population cohorts (gnomAD); In silico analysis supports that this missense variant has a deleterious effect on protein structure/function; Has not been previously published as pathogenic or benign to our knowledge

NM_001851.6(COL9A1):c.2641G>T (p.Gly881Trp)

Gene: COL9A1 (collagen type IX alpha 1 chain; minus strand). Cytogenetic location: 6q13.
Variant type: single nucleotide variant.
Coding change: c.2641G>T on transcript NM_001851.6 (MANE Select); coding-DNA position 2641, G replaced by T.
Protein change: p.Gly881Trp; replaces glycine 881 with tryptophan.
Molecular consequence: missense variant. On other transcripts: non-coding transcript variant (1).
Genome position (GRCh38, 1-based): chr6:70,217,022, C>A on the plus strand (G>T on the coding strand, the complement: COL9A1 is on the minus strand). VCF-style: chr6-70217022-C-A. GRCh37 (hg19) VCF-style: chr6-70926725-C-A.
Other names: c.1942G>T, p.Gly648Trp (NM_001377289.1); c.1765G>T, p.Gly589Trp (NM_001377290.1); c.1912G>T, p.Gly638Trp (NM_078485.4); short protein forms G589W, G638W, G648W, G881W.
Identifiers: ClinVar variation 4071660 (VCV004071660.1).
Genomic context (GRCh38, chr6:70,217,022, plus strand): 5'-AGAAACCGGGAAGCCCAGGAGGTCCCGGGGGTCCAGGCACTCCAGGAATTCCTGCCACCC[C>A]TGGGGGGCCTCGCTCACCGTCTCGGCCATTTCTGCCATAGCTGGCAGGGCCTGGGTCACC-3'
Protein context (NP_001842.3, residues 871-891): NGRDGERGPP[Gly881Trp]VAGIPGVPGP